The following is an entry in ClinVar:

ClinVar aggregate classification (germline): Uncertain significance (1 of 4 stars; one submission).

Submission:

GeneDx
Classification: Uncertain significance. Last evaluated: 2026-02-08. Review status: criteria provided, single submitter. Criteria: GeneDx Variant Classification Process June 2021. Collection method: clinical testing. Allele origin: germline.
Comment: Not observed at significant frequency in large population cohorts (gnomAD); In silico analysis supports that this missense variant has a deleterious effect on protein structure/function; Has not been previously published as pathogenic or benign to our knowledge

NM_001356.5(DDX3X):c.50C>T (p.Ala17Val)

Gene: DDX3X (DEAD-box helicase 3 X-linked; plus strand). Cytogenetic location: Xp11.4.
Variant type: single nucleotide variant.
Coding change: c.50C>T on transcript NM_001356.5 (MANE Select); coding-DNA position 50, C replaced by T.
Protein change: p.Ala17Val; replaces alanine 17 with valine.
Molecular consequence: missense variant. On other transcripts: 5 prime UTR variant (1), non-coding transcript variant (2).
Genome position (GRCh38, 1-based): chrX:41,337,412, C>T. VCF-style: chrX-41337412-C-T. GRCh37 (hg19) VCF-style: chrX-41196665-C-T.
Other names: c.50C>T, p.Ala17Val (NM_001193416.3, NM_001193417.3); c.-1854C>T (NM_001363819.1); short protein forms A17V.
Identifiers: ClinVar variation 4887931 (VCV004887931.1).